The following is an entry in ClinVar:

NM_001365276.2(TNXB):c.2116_2117dup (p.Val706_Glu707insTer)

Gene: TNXB (tenascin XB; minus strand). Cytogenetic location: 6p21.33.
Variant type: Microsatellite.
Coding change: c.2116_2117dup on transcript NM_001365276.2 (MANE Select); coding-DNA positions 2116 to 2117, 2 bases duplicated (GT; older notation c.2116_2117dupGT).
Protein change: p.Val706_Glu707insTer.
Molecular consequence: frameshift variant.
Genome position (GRCh38, 1-based): chr6:32,095,736-32,095,737, AC duplicated on the plus strand (GT on the coding strand, the reverse complement: TNXB is on the minus strand); duplicating any 2 consecutive bases within chr6:32,095,736-32,095,747 gives the same sequence; the c. name uses the placement nearest the transcript's 3' end. VCF-style (leftmost placement, unchanged base first): chr6-32095735-T-TAC. GRCh37 (hg19) VCF-style: chr6-32063512-T-TAC.
Other names: c.2116_2117dup, p.Val706_Glu707insTer (NM_019105.8).
Identifiers: ClinVar variation 8551 (VCV000008551.4), dbSNP rs144556766, ClinGen allele CA212899.
Genomic context (GRCh38, chr6:32,095,735, plus strand): 5'-TCGGCCACGGCAGTCCCCTGGGCATGTCTGGATGGCACAGTCAGGGCCTCGGAAGCCCTC[T>TAC]ACACACACACACTGGCCTGCCCGGCACAGTTCCCGGGGCCCGCAGCCTCCAGGGCAGGCG-3'

ClinVar aggregate classification (germline): Pathogenic. Review status: criteria provided, single submitter (1 of 4 stars). 2 submissions from 2 submitters: Pathogenic (1). 1 of the submissions does not count toward it. Last evaluated 2024-04-17.

Conditions:
Ehlers-Danlos syndrome due to tenascin-X deficiency (EDSCLL1). Also called: TNX DEFICIENCY; EHLERS-DANLOS SYNDROME, CLASSIC-LIKE; EDS DUE TO TNX DEFICIENCY; Ehlers-Danlos syndrome, classic-like, 1; TNXB-Related Classical-Like Ehlers-Danlos Syndrome. Identifiers: Orphanet 230839, MedGen C1848029, MONDO:0011670, OMIM 606408.

Submissions (2):

GeneDx
Classification: Pathogenic. Last evaluated: 2024-04-17. Review status: criteria provided, single submitter. Criteria: GeneDx Variant Classification Process June 2021. Collection method: clinical testing. Allele origin: germline. Affected: yes.
Comment: Nonsense variant predicted to result in protein truncation or nonsense mediated decay in a gene for which loss of function is a known mechanism of disease; Not observed at significant frequency in large population cohorts (gnomAD); This variant is associated with the following publications: (PMID: 31589614, 11642233)

OMIM
Classification: Pathogenic for EHLERS-DANLOS SYNDROME, CLASSIC-LIKE, 1. Last evaluated: 2001-10-18. Review status: no assertion criteria provided. Collection method: literature only. Allele origin: germline. Not counted in ClinVar's aggregate classification.

Literature cited by the submitters: PubMed 11642233 (cited by OMIM).